The following is an entry in ClinVar:

ClinVar aggregate classification (germline): Uncertain significance. Review status: criteria provided, multiple submitters, no conflicts (2 of 4 stars). 2 submissions from 2 submitters: Uncertain significance (2). Last evaluated 2025-10-06.

Conditions:
Inborn genetic diseases. Identifiers: MedGen C0950123, MeSH D030342.

Submissions (2):

GeneDx
Classification: Uncertain significance. Last evaluated: 2025-10-06. Review status: criteria provided, single submitter. Criteria: GeneDx Variant Classification Process June 2021. Collection method: clinical testing. Allele origin: germline.
Comment: Not observed at significant frequency in large population cohorts (gnomAD); In silico analysis suggests that this missense variant does not alter protein structure/function; Has not been previously published as pathogenic or benign to our knowledge

Ambry Genetics
Classification: Uncertain significance for Inborn genetic diseases. Last evaluated: 2024-10-23. Review status: criteria provided, single submitter. Criteria: Ambry Variant Classification Scheme 2023. Collection method: clinical testing. Allele origin: germline.

NM_013436.5(NCKAP1):c.2085G>T (p.Met695Ile)

Gene: NCKAP1 (NCK associated protein 1; minus strand). Cytogenetic location: 2q32.1.
Variant type: single nucleotide variant.
Coding change: c.2085G>T on transcript NM_013436.5 (MANE Select); coding-DNA position 2085, G replaced by T.
Protein change: p.Met695Ile; replaces methionine 695 with isoleucine.
Molecular consequence: missense variant.
Genome position (GRCh38, 1-based): chr2:182,956,530, C>A on the plus strand (G>T on the coding strand, the complement: NCKAP1 is on the minus strand). VCF-style: chr2-182956530-C-A. GRCh37 (hg19) VCF-style: chr2-183821258-C-A.
Other names: c.2103G>T, p.Met701Ile (NM_205842.3); c.2103G>T (NM_205842.1); short protein forms M695I, M701I.
Identifiers: ClinVar variation 3343255 (VCV003343255.3).
Genomic context (GRCh38, chr2:182,956,530, plus strand): 5'-GCGTATTTCCAGATGAGAAGTCAAATATTCTCGTGGGGTAAAGGTATGTTCCCATACCAC[C>A]ATGTTTGGTACATAATTTATAGAGAAGCATAACTCAGAAAGTGCAGTGTGCAATTTATCA-3'
Protein context (NP_038464.1, residues 685-705): LCFSINYVPN[Met695Ile]VVWEHTFTPR